The following is an entry in ClinVar:

NM_007294.4(BRCA1):c.5468-5T>G

Gene: BRCA1 (BRCA1 DNA repair associated; minus strand). Cytogenetic location: 17q21.31.
Variant type: single nucleotide variant.
Coding change: c.5468-5T>G on transcript NM_007294.4 (MANE Select); 5 bases into the intron before coding-DNA position 5468, T replaced by G.
Molecular consequence: intron variant.
Genome position (GRCh38, 1-based): chr17:43,045,807, A>C on the plus strand (T>G on the coding strand, the complement: BRCA1 is on the minus strand). VCF-style: chr17-43045807-A-C. GRCh37 (hg19) VCF-style: chr17-41197824-A-C.
Other names: c.5198-5T>G (NM_001407936.1, NM_001407934.1, NM_001407935.1); c.5321-5T>G (NM_001407849.1, NM_001407845.1, NM_001407852.1 and 12 more transcripts); c.5324-5T>G (NM_001407744.1, NM_001407750.1, NM_001407732.1 and 18 more transcripts); c.1895-5T>G (NM_001408496.1, NM_001408499.1, NM_001408498.1 and 3 more transcripts); c.5201-5T>G (NM_001407929.1, NM_001407930.1, NM_001407933.1 and 4 more transcripts); c.5204-5T>G (NM_001407924.1, NM_001407920.1, NM_001407923.1 and 4 more transcripts); c.2015-5T>G (NM_001408460.1, NM_001408465.1, NM_001408463.1 and 7 more transcripts); c.2018-5T>G (NM_001408454.1, NM_001408456.1, NM_001408453.1 and 3 more transcripts); and 83 more.
Identifiers: ClinVar variation 182169 (VCV000182169.21), dbSNP rs730881498, ClinGen allele CA003627.

ClinVar aggregate classification (germline): Conflicting classifications of pathogenicity. Review status: criteria provided, conflicting classifications (1 of 4 stars). 3 submissions from 3 submitters: Uncertain significance (2); Likely benign (1). Last evaluated 2026-02-03.

Conditions:
Hereditary cancer-predisposing syndrome. Also called: Hereditary Cancer Syndrome; Hereditary neoplastic syndrome; Tumor predisposition; Neoplastic Syndromes, Hereditary. Identifiers: Orphanet 140162, MedGen C0027672, MeSH D009386, MONDO:0015356.
Hereditary breast ovarian cancer syndrome. Also called: Hereditary breast and ovarian cancer syndrome; Hereditary breast and ovarian cancer syndrome (HBOC); BRCA1- and BRCA2-Associated Hereditary Breast and Ovarian Cancer; Breast and ovarian cancer; Hereditary breast and ovarian cancer; Hereditary breast and/or ovarian cancer syndrome. Identifiers: Orphanet 145, MedGen C0677776, MeSH D061325, MONDO:0003582. Disease mechanism: loss of function.

Submissions (4):

Ambry Genetics
Classification: Uncertain significance for Hereditary cancer-predisposing syndrome. Last evaluated: 2026-02-03. Review status: criteria provided, single submitter. Criteria: Ambry Variant Classification Scheme 2023. Collection method: clinical testing. Allele origin: germline.
Comment: The c.5468-5T>G intronic variant results from a T to G substitution 5 nucleotides upstream from coding exon 22 in the BRCA1 gene. This nucleotide position is poorly conserved in available vertebrate species. In silico splice site analysis predicts that this alteration will not have any significant effect on splicing. Based on the available evidence, the clinical significance of this variant remains unclear.

Labcorp Genetics (formerly Invitae), Labcorp
Classification: Likely benign for Hereditary breast ovarian cancer syndrome. Last evaluated: 2024-04-29. Review status: criteria provided, single submitter. Criteria: Invitae Variant Classification Sherloc (09022015). Collection method: clinical testing. Allele origin: germline.

Color Diagnostics, LLC DBA Color Health
Classification: Uncertain significance for Hereditary cancer-predisposing syndrome. Last evaluated: 2019-05-16. Review status: criteria provided, single submitter. Criteria: ACMG Guidelines, 2015. Collection method: clinical testing. Allele origin: germline.

Brotman Baty Institute, University of Washington
No classification provided (evidence only). Condition: Breast-ovarian cancer, familial 1. Review status: no classification provided. Collection method: in vitro. Allele origin: not applicable. Functional consequence: function_uncertain_variant. Not counted in ClinVar's aggregate classification.
ClinVar note: "not provided" was previously submitted as the classification for the variant. However, the classification appeared to be based only on an observation of functional data so it was converted to no classification on 2025-07-30.